The following is an entry in ClinVar:

ClinVar aggregate classification (germline): Uncertain significance (1 of 4 stars; one submission).

Conditions:
Autosomal dominant hypocalcemia 1 (HYPOC1). Also called: HYPOCALCEMIA, FAMILIAL. Identifiers: MedGen C3715128, MONDO:0011013, OMIM 601198.
Familial hypocalciuric hypercalcemia (FHH). Also called: Familial benign hypercalcemia. Identifiers: Orphanet 405, MedGen C1809471, MONDO:0018458.

Allele frequency attached by ClinVar (database versions not stated): gnomAD 0.00001; TOPMed 0.00001.
gnomAD v4.1: 1 of 1,614,106 alleles (0.000062%); highest among the groups gnomAD compares: African/African-American, 0.0013%; no homozygotes.

Submission:

Labcorp Genetics (formerly Invitae), Labcorp
Classification: Uncertain significance for Familial hypocalciuric hypercalcemia; Autosomal dominant hypocalcemia 1. Last evaluated: 2022-10-25. Review status: criteria provided, single submitter. Criteria: Invitae Variant Classification Sherloc (09022015). Collection method: clinical testing. Allele origin: germline.
Comment: In summary, the available evidence is currently insufficient to determine the role of this variant in disease. Therefore, it has been classified as a Variant of Uncertain Significance. This sequence change replaces serine, which is neutral and polar, with asparagine, which is neutral and polar, at codon 1004 of the CASR protein (p.Ser1004Asn). This variant is not present in population databases (gnomAD no frequency). This variant has not been reported in the literature in individuals affected with CASR-related conditions. ClinVar contains an entry for this variant (Variation ID: 1496743). Algorithms developed to predict the effect of missense changes on protein structure and function output the following: SIFT: "Tolerated"; PolyPhen-2: "Benign"; Align-GVGD: "Class C0". The asparagine amino acid residue is found in multiple mammalian species, which suggests that this missense change does not adversely affect protein function.

NM_000388.4(CASR):c.3011G>A (p.Ser1004Asn)

Gene: CASR (calcium sensing receptor; plus strand). Cytogenetic location: 3q21.1.
Variant type: single nucleotide variant.
Coding change: c.3011G>A on transcript NM_000388.4 (MANE Select); coding-DNA position 3011, G replaced by A.
Protein change: p.Ser1004Asn; replaces serine 1004 with asparagine.
Molecular consequence: missense variant.
Genome position (GRCh38, 1-based): chr3:122,284,965, G>A. VCF-style: chr3-122284965-G-A. GRCh37 (hg19) VCF-style: chr3-122003812-G-A.
Other names: c.3041G>A, p.Ser1014Asn (NM_001178065.2); short protein forms S1014N, S1004N.
Identifiers: ClinVar variation 1496743 (VCV001496743.6), dbSNP rs1436155766, ClinGen allele CA354161263.